The following is an entry in ClinVar:

ClinVar aggregate classification (germline): Uncertain significance. Review status: criteria provided, single submitter (1 of 4 stars). 2 submissions from 2 submitters: Uncertain significance (1). 1 of the submissions does not count toward it. Last evaluated 2021-11-25.

Conditions:
Nemaline myopathy 2 (NEM2). Also called: Nemaline myopathy 2, autosomal recessive. Identifiers: MedGen C1850569, MONDO:0009725, OMIM 256030.

Allele frequency attached by ClinVar (database versions not stated): gnomAD exomes below 0.00001; ExAC 0.00001; gnomAD 0.00001; TOPMed 0.00002.
gnomAD v4.1: 7 of 1,613,590 alleles (0.00043%); highest among the groups gnomAD compares: Non-Finnish European, 0.00059%; no homozygotes.

Submissions (2):

Labcorp Genetics (formerly Invitae), Labcorp
Classification: Uncertain significance for Nemaline myopathy 2. Last evaluated: 2021-11-25. Review status: criteria provided, single submitter. Criteria: Invitae Variant Classification Sherloc (09022015). Collection method: clinical testing. Allele origin: germline.
Comment: This sequence change replaces leucine, which is neutral and non-polar, with proline, which is neutral and non-polar, at codon 7120 of the NEB protein (p.Leu7120Pro). The frequency data for this variant in the population databases is considered unreliable, as metrics indicate poor data quality at this position in the gnomAD database. This variant has not been reported in the literature in individuals affected with NEB-related conditions. ClinVar contains an entry for this variant (Variation ID: 950609). Algorithms developed to predict the effect of missense changes on protein structure and function are either unavailable or do not agree on the potential impact of this missense change (SIFT: "Deleterious"; PolyPhen-2: "Not Available"; Align-GVGD: "Class C0"). In summary, the available evidence is currently insufficient to determine the role of this variant in disease. Therefore, it has been classified as a Variant of Uncertain Significance.

Natera, Inc.
Classification: Uncertain significance for Nemaline myopathy type 2. Last evaluated: 2020-05-19. Review status: no assertion criteria provided. Collection method: clinical testing. Allele origin: germline. Not counted in ClinVar's aggregate classification.

NM_001164507.2(NEB):c.21359T>C (p.Leu7120Pro)

Genes: NEB (nebulin; minus strand), RIF1 (replication timing regulatory factor 1; plus strand). Cytogenetic location: 2q23.3.
Variant type: single nucleotide variant.
Coding change: c.21359T>C on transcript NM_001164507.2 (MANE Plus Clinical); coding-DNA position 21359, T replaced by C.
Protein change: p.Leu7120Pro; replaces leucine 7120 with proline.
Molecular consequence: missense variant. On other transcripts: intron variant (1).
Genome position (GRCh38, 1-based): chr2:151,534,273, A>G on the plus strand (T>C on the coding strand, the complement: NEB is on the minus strand). VCF-style: chr2-151534273-A-G. GRCh37 (hg19) VCF-style: chr2-152390787-A-G.
Other names: c.21359T>C, p.Leu7120Pro (NM_001271208.2); c.16256T>C, p.Leu5419Pro (NM_004543.5); c.21313-727T>C (NM_001164508.2); short protein forms L7120P, L5419P.
Identifiers: ClinVar variation 950609 (VCV000950609.9), dbSNP rs762447469, ClinGen allele CA1907002.